The following is an entry in ClinVar:

ClinVar aggregate classification (germline): Likely benign. Review status: criteria provided, single submitter (1 of 4 stars). 2 submissions from 2 submitters: Likely benign (1). 1 of the submissions does not count toward it. Last evaluated 2023-10-27.

Conditions:
ALDOB-related disorder. Also called: ALDOB-related condition.
Hereditary fructosuria. Also called: Fructose intolerance; ALDOB DEFICIENCY; ALDOLASE B DEFICIENCY; FRUCTOSE-1,6-BISPHOSPHATE ALDOLASE B DEFICIENCY; FRUCTOSE-1-PHOSPHATE ALDOLASE DEFICIENCY; FRUCTOSEMIA. Identifiers: Orphanet 469, MedGen C0016751, MONDO:0009249, OMIM 229600, HP:0005973. Disease mechanism: loss of function.

Allele frequency attached by ClinVar (database versions not stated): gnomAD exomes below 0.00001; gnomAD 0.00001; TOPMed 0.00002; ESP Exome Variant Server 0.00008.
gnomAD v4.1: 9 of 1,614,000 alleles (0.00056%); highest among the groups gnomAD compares: Non-Finnish European, 0.00076%; no homozygotes.

Submissions (2):

Labcorp Genetics (formerly Invitae), Labcorp
Classification: Likely benign for Hereditary fructosuria. Last evaluated: 2023-10-27. Review status: criteria provided, single submitter. Criteria: Invitae Variant Classification Sherloc (09022015). Collection method: clinical testing. Allele origin: germline.

PreventionGenetics, part of Exact Sciences
Classification: Likely benign for ALDOB-related condition. Last evaluated: 2019-04-29. Review status: no assertion criteria provided. Collection method: clinical testing. Allele origin: germline. Not counted in ClinVar's aggregate classification.
Comment: This variant is classified as likely benign based on ACMG/AMP sequence variant interpretation guidelines (Richards et al. 2015 PMID: 25741868, with internal and published modifications).

NM_000035.4(ALDOB):c.540+9C>A

Gene: ALDOB (aldolase, fructose-bisphosphate B; minus strand). Cytogenetic location: 9q31.1.
Variant type: single nucleotide variant.
Coding change: c.540+9C>A on transcript NM_000035.4 (MANE Select); 9 bases into the intron after coding-DNA position 540, C replaced by A.
Molecular consequence: intron variant.
Genome position (GRCh38, 1-based): chr9:101,427,473, G>T on the plus strand (C>A on the coding strand, the complement: ALDOB is on the minus strand). VCF-style: chr9-101427473-G-T. GRCh37 (hg19) VCF-style: chr9-104189755-G-T.
Other names: c.540+9C>A (NM_000035.3).
Identifiers: ClinVar variation 1098036 (VCV001098036.10), dbSNP rs371263581, ClinGen allele CA196957330.